The following is an entry in ClinVar:

NC_000005.10:g.(?_132579307)_(132605009_?)dup

Gene: RAD50 (RAD50 double strand break repair protein; plus strand). Cytogenetic location: 5q31.1.
Variant type: Duplication.
Identifiers: ClinVar variation 832101 (VCV000832101.5).

ClinVar aggregate classification (germline): Likely pathogenic (1 of 4 stars; one submission).

Conditions:
Hereditary cancer-predisposing syndrome. Also called: Hereditary neoplastic syndrome; Neoplastic Syndromes, Hereditary; Tumor predisposition; Hereditary Cancer Syndrome. Identifiers: Orphanet 140162, MedGen C0027672, MeSH D009386, MONDO:0015356.

Submission:

Labcorp Genetics (formerly Invitae), Labcorp
Classification: Likely pathogenic for Hereditary cancer-predisposing syndrome. Last evaluated: 2022-08-23. Review status: criteria provided, single submitter. Criteria: Invitae Variant Classification Sherloc (09022015). Collection method: clinical testing. Allele origin: germline.
Comment: This variant results in a copy number gain of the genomic region encompassing exon(s) 4-16 of the RAD50 gene. While the exact position of this variant cannot be determined from the data, sub-genic copy number gains are generally in tandem (PMID: 25640679). This variant is predicted to be out-of-frame, and may result in an absent or disrupted protein product. Loss-of-function variants in RAD50 are known to be pathogenic (PMID: 19409520). This variant has not been reported in the literature in individuals affected with RAD50-related conditions. In summary, the currently available evidence indicates that the variant is pathogenic, but additional data are needed to prove that conclusively. Therefore, this variant has been classified as Likely Pathogenic.

Literature cited by the submitters: PubMed 25640679; PubMed 19409520.